The following is an entry in ClinVar:

NM_000116.5(TAFAZZIN):c.82G>A (p.Val28Met)

Genes: DNASE1L1 (deoxyribonuclease 1 like 1; minus strand), TAFAZZIN (tafazzin, phospholipid-lysophospholipid transacylase; plus strand), LOC130068869 (ATAC-STARR-seq lymphoblastoid silent region 21101; plus strand). Cytogenetic location: Xq28.
Variant type: single nucleotide variant.
Coding change: c.82G>A on transcript NM_000116.5 (MANE Select); coding-DNA position 82, G replaced by A.
Protein change: p.Val28Met; replaces valine 28 with methionine.
Molecular consequence: missense variant. On other transcripts: 5 prime UTR variant (3), non-coding transcript variant (1).
Genome position (GRCh38, 1-based): chrX:154,411,925, G>A. VCF-style: chrX-154411925-G-A. GRCh37 (hg19) VCF-style: chrX-153640262-G-A.
Other names: c.-465C>T (NM_001009932.3); c.-207C>T (NM_001009933.3); c.-122C>T (NM_001009934.3); c.82G>A, p.Val28Met (NM_001303465.2, NM_001410698.1, NM_001440856.1 and 5 more transcripts); short protein forms V28M.
Identifiers: ClinVar variation 4615052 (VCV004615052.1).
Genomic context (GRCh38, chrX:154,411,925, plus strand): 5'-CCGTTCCCCGCGGTGCCGCCGCTCACCTGGACCCTGGCCAGCAGCGTCGTCATGGGCTTG[G>A]TGGGCACCTACAGCTGCTTCTGGACCAGTGAGTGGGCCCAGGCCGAGGCAGGCCCGCCCG-3'
Protein context (NP_000107.1, residues 18-38): TLASSVVMGL[Val28Met]GTYSCFWTKY

ClinVar aggregate classification (germline): Uncertain significance (1 of 4 stars; one submission).

Conditions:
Cardiovascular phenotype. Identifiers: MedGen CN230736.

Submission:

Ambry Genetics
Classification: Uncertain significance for Cardiovascular phenotype. Last evaluated: 2025-12-11. Review status: criteria provided, single submitter. Criteria: Ambry Variant Classification Scheme 2023. Collection method: clinical testing. Allele origin: germline.
Comment: The p.V28M variant (also known as c.82G>A), located in coding exon 1 of the TAZ gene, results from a G to A substitution at nucleotide position 82. The valine at codon 28 is replaced by methionine, an amino acid with highly similar properties. This amino acid position is conserved. In addition, this alteration is predicted to be deleterious by in silico analysis. Based on the available evidence, the clinical significance of this variant remains unclear.